The following is an entry in ClinVar:

ClinVar aggregate classification (germline): Uncertain significance (1 of 4 stars; one submission).

Conditions:
Hereditary cancer-predisposing syndrome. Also called: Tumor predisposition; Hereditary Cancer Syndrome; Neoplastic Syndromes, Hereditary; Hereditary neoplastic syndrome. Identifiers: Orphanet 140162, MedGen C0027672, MeSH D009386, MONDO:0015356.

Submission:

Ambry Genetics
Classification: Uncertain significance for Hereditary cancer-predisposing syndrome. Last evaluated: 2023-11-20. Review status: criteria provided, single submitter. Criteria: Ambry Variant Classification Scheme 2023. Collection method: clinical testing. Allele origin: germline.
Comment: The p.D373H variant (also known as c.1117G>C), located in coding exon 9 of the NBN gene, results from a G to C substitution at nucleotide position 1117. The aspartic acid at codon 373 is replaced by histidine, an amino acid with similar properties. This amino acid position is well conserved in available vertebrate species. In addition, this alteration is predicted to be tolerated by in silico analysis. Since supporting evidence is limited at this time, the clinical significance of this alteration remains unclear.

NM_002485.5(NBN):c.1117G>C (p.Asp373His)

Gene: NBN (nibrin; minus strand). Cytogenetic location: 8q21.3.
Variant type: single nucleotide variant.
Coding change: c.1117G>C on transcript NM_002485.5 (MANE Select); coding-DNA position 1117, G replaced by C.
Protein change: p.Asp373His; replaces aspartic acid 373 with histidine.
Molecular consequence: missense variant.
Genome position (GRCh38, 1-based): chr8:89,958,732, C>G on the plus strand (G>C on the coding strand, the complement: NBN is on the minus strand). VCF-style: chr8-89958732-C-G. GRCh37 (hg19) VCF-style: chr8-90970960-C-G.
Other names: c.871G>C, p.Asp291His (NM_001024688.3); short protein forms D373H, D291H.
Identifiers: ClinVar variation 1796619 (VCV001796619.2), dbSNP rs2129744437, ClinGen allele CA371656573.